The following is an entry in ClinVar:

ClinVar aggregate classification (germline): Uncertain significance. Review status: criteria provided, single submitter (1 of 4 stars). 2 submissions from 2 submitters: Uncertain significance (1). 1 of the submissions does not count toward it. Last evaluated 2024-06-24.

Conditions:
Hyperinsulinism-hyperammonemia syndrome (HHF6). Identifiers: Orphanet 35878, MedGen C1847555, MONDO:0011717, OMIM 606762.
Intellectual disability. Also called: intellectual disabilities; Intellectual developmental disorder; Intellectual functioning disability. Identifiers: MedGen C3714756, MeSH D008607, MONDO:0001071, HP:0001249.

Allele frequency attached by ClinVar (database versions not stated): gnomAD exomes below 0.00001 and 0.00002; TOPMed below 0.00001.
gnomAD v4.1: 26 of 1,594,518 alleles (0.0016%); highest among the groups gnomAD compares: Non-Finnish European, 0.0022%; no homozygotes.

Submissions (2):

Labcorp Genetics (formerly Invitae), Labcorp
Classification: Uncertain significance for Hyperinsulinism-hyperammonemia syndrome. Last evaluated: 2024-06-24. Review status: criteria provided, single submitter. Criteria: Invitae Variant Classification Sherloc (09022015). Collection method: clinical testing. Allele origin: germline.
Comment: This sequence change falls in intron 8 of the GLUD1 gene. It does not directly change the encoded amino acid sequence of the GLUD1 protein. This variant is present in population databases (no rsID available, gnomAD 0.0009%). This variant has not been reported in the literature in individuals affected with GLUD1-related conditions. ClinVar contains an entry for this variant (Variation ID: 975403). Algorithms developed to predict the effect of sequence changes on RNA splicing suggest that this variant may create or strengthen a splice site. In summary, the available evidence is currently insufficient to determine the role of this variant in disease. Therefore, it has been classified as a Variant of Uncertain Significance.

Centre de Biologie Pathologie Génétique, Centre Hospitalier Universitaire de Lille
Classification: Likely benign for Intellectual disability. Last evaluated: 2019-01-01. Review status: no assertion criteria provided. Collection method: clinical testing. Allele origin: inherited. Affected: yes. Not counted in ClinVar's aggregate classification.

NM_005271.5(GLUD1):c.1198-6T>C

Gene: GLUD1 (glutamate dehydrogenase 1; minus strand). Cytogenetic location: 10q23.2.
Variant type: single nucleotide variant.
Coding change: c.1198-6T>C on transcript NM_005271.5 (MANE Select); 6 bases into the intron before coding-DNA position 1198, T replaced by C.
Molecular consequence: intron variant.
Genome position (GRCh38, 1-based): chr10:87,060,247, A>G on the plus strand (T>C on the coding strand, the complement: GLUD1 is on the minus strand). VCF-style: chr10-87060247-A-G. GRCh37 (hg19) VCF-style: chr10-88820004-A-G.
Other names: c.697-6T>C (NM_001318906.2, NM_001318904.2, NM_001318905.2 and 2 more transcripts); c.799-6T>C (NM_001318900.1).
Identifiers: ClinVar variation 975403 (VCV000975403.3), dbSNP rs1415334667, ClinGen allele CA594908840.